The following is an entry in ClinVar:

ClinVar aggregate classification (germline): Conflicting classifications of pathogenicity. Review status: criteria provided, conflicting classifications (1 of 4 stars). 4 submissions from 3 submitters: Uncertain significance (2); Likely benign (2). Last evaluated 2026-07-01.

Conditions:
Schwartz-Jampel syndrome. Also called: Myotonic myopathy dwarfism chondrodystrophy and ocular and facial abnormalities. Identifiers: Orphanet 800, MedGen C0036391, MONDO:0009717.
Lethal Kniest-like syndrome (DDSH). Also called: Dyssegmental Dysplasia. Identifiers: Orphanet 1865, MedGen C1857100, MONDO:0009140, OMIM 224410.

Allele frequency attached by ClinVar (database versions not stated): gnomAD 0.00001; TOPMed 0.00003; ExAC 0.00005.
gnomAD v4.1: 30 of 1,612,650 alleles (0.0019%); highest among the groups gnomAD compares: Admixed American, 0.022%; no homozygotes.

Submissions (4):

CeGaT Center for Human Genetics Tuebingen
Classification: Likely benign. Last evaluated: 2026-07-01. Review status: criteria provided, single submitter. Criteria: CeGaT Center For Human Genetics Tuebingen Variant Classification Criteria Version 2. Collection method: clinical testing. Allele origin: germline. Affected: yes. Observed: 1 variant allele.
Comment: HSPG2: BP4, BP7

Labcorp Genetics (formerly Invitae), Labcorp
Classification: Likely benign. Last evaluated: 2025-03-17. Review status: criteria provided, single submitter. Criteria: Invitae Variant Classification Sherloc (09022015). Collection method: clinical testing. Allele origin: germline.

Illumina Laboratory Services, Illumina
Classification: Uncertain significance for Schwartz-Jampel syndrome type 1. Last evaluated: 2018-01-12. Review status: criteria provided, single submitter. Criteria: ICSL Variant Classification Criteria 13 December 2019. Collection method: clinical testing. Allele origin: germline.

Illumina Laboratory Services, Illumina
Classification: Uncertain significance for Lethal Kniest-like syndrome. Last evaluated: 2018-01-12. Review status: criteria provided, single submitter. Criteria: ICSL Variant Classification Criteria 13 December 2019. Collection method: clinical testing. Allele origin: germline.

NM_005529.7(HSPG2):c.4749G>A (p.Gln1583=)

Gene: HSPG2 (heparan sulfate proteoglycan 2; minus strand). Cytogenetic location: 1p36.12.
Variant type: single nucleotide variant.
Coding change: c.4749G>A on transcript NM_005529.7 (MANE Select); coding-DNA position 4749, G replaced by A.
Protein change: p.Gln1583=; no amino-acid change (glutamine 1583 retained).
Molecular consequence: synonymous variant.
Genome position (GRCh38, 1-based): chr1:21,862,107, C>T on the plus strand (G>A on the coding strand, the complement: HSPG2 is on the minus strand). VCF-style: chr1-21862107-C-T. GRCh37 (hg19) VCF-style: chr1-22188600-C-T.
Other names: c.4752G>A, p.Gln1584= (NM_001291860.2).
Identifiers: ClinVar variation 744650 (VCV000744650.11), dbSNP rs773098995, ClinGen allele CA672173.